The following is an entry in ClinVar:

NM_000258.3(MYL3):c.259C>T (p.Pro87Ser)

Gene: MYL3 (myosin light chain 3; minus strand). Cytogenetic location: 3p21.31.
Variant type: single nucleotide variant.
Coding change: c.259C>T on transcript NM_000258.3 (MANE Select); coding-DNA position 259, C replaced by T.
Protein change: p.Pro87Ser; replaces proline 87 with serine.
Molecular consequence: missense variant.
Genome position (GRCh38, 1-based): chr3:46,860,724, G>A on the plus strand (C>T on the coding strand, the complement: MYL3 is on the minus strand). VCF-style: chr3-46860724-G-A. GRCh37 (hg19) VCF-style: chr3-46902214-G-A.
Other names: c.259C>T, p.Pro87Ser (NM_001406937.1, NM_001406938.1, NM_001406939.1); c.85C>T, p.Pro29Ser (NM_001406940.1, NM_001406941.1); short protein forms P29S, P87S.
Identifiers: ClinVar variation 3073582 (VCV003073582.1), dbSNP rs2544966990, ClinGen allele CA352498049.

ClinVar aggregate classification (germline): Uncertain significance (1 of 4 stars; one submission).

Conditions:
Hypertrophic cardiomyopathy. Also called: HYPERTROPHIC MYOCARDIOPATHY. Identifiers: Orphanet 217569, MedGen C0007194, MeSH D002312, MONDO:0005045, HP:0001639.

Allele frequency attached by ClinVar (database versions not stated): gnomAD exomes below 0.00001.

Submission:

All of Us Research Program, National Institutes of Health
Classification: Uncertain significance for Hypertrophic cardiomyopathy. Last evaluated: 2023-10-02. Review status: criteria provided, single submitter. Criteria: ACMG Guidelines, 2015. Collection method: clinical testing. Allele origin: germline. Inheritance: Autosomal dominant inheritance. Observed: 1 variant allele, 1 heterozygote.
Comment: This missense variant replaces proline with serine at codon 87 of the MYL3 protein. Computational prediction suggests that this variant may have deleterious impact on protein structure and function (internally defined REVEL score threshold >= 0.7, PMID: 27666373). To our knowledge, functional studies have not been reported for this variant. This variant has not been reported in individuals affected with MYL3-related disorders in the literature. This variant has not been identified in the general population by the Genome Aggregation Database (gnomAD). The available evidence is insufficient to determine the role of this variant in disease conclusively. Therefore, this variant is classified as a Variant of Uncertain Significance.

This study involves interpretation of variants in research participants for the purpose of population health screening. Participant phenotype was not available at the time of variant classification. Additional details can be found in publication PMID: 35346344, PMCID: PMC8962531